The following is an entry in ClinVar:

ClinVar aggregate classification (germline): Benign (1 of 4 stars; one submission).

Conditions:
Neurodegeneration with brain iron accumulation 4 (NBIA4). Also called: MITOCHONDRIAL PROTEIN-ASSOCIATED NEURODEGENERATION. Identifiers: Orphanet 289560, MedGen C3280371, MONDO:0013674, OMIM 614298. Disease mechanism: loss of function.

Allele frequency attached by ClinVar (database versions not stated): ExAC 0.00093; gnomAD exomes 0.00171 and 0.00287; 1000 Genomes Project 0.01238; 1000 Genomes Project 30x 0.01296; gnomAD 0.01332 and 0.01436; TOPMed 0.01500.
gnomAD v4.1: 2,536 of 454,062 alleles (0.56%); highest among the groups gnomAD compares: African/African-American, 4.6%; 53 homozygotes.

Submission:

Illumina Laboratory Services, Illumina
Classification: Benign for Neurodegeneration with brain iron accumulation 4. Last evaluated: 2018-01-12. Review status: criteria provided, single submitter. Criteria: ICSL Variant Classification Criteria 13 December 2019. Collection method: clinical testing. Allele origin: germline.
Comment: This variant was observed in the ICSL laboratory as part of a predisposition screen in an ostensibly healthy population. It had not been previously curated by ICSL or reported in the Human Gene Mutation Database (HGMD: prior to June 1st, 2018), and was therefore a candidate for classification through an automated scoring system. Utilizing variant allele frequency, disease prevalence and penetrance estimates, and inheritance mode, an automated score was calculated to assess if this variant is too frequent to cause the disease. Based on the score and internal cut-off values, a variant classified as benign is not then subjected to further curation. The score for this variant resulted in a classification of benign for this disease.

NM_031448.6(C19orf12):c.*2186C>T

Gene: C19orf12 (chromosome 19 open reading frame 12; minus strand). Cytogenetic location: 19q12.
Variant type: single nucleotide variant.
Coding change: c.*2186C>T on transcript NM_031448.6 (MANE Select); 2186 bases downstream of the stop codon, C replaced by T.
Molecular consequence: 3 prime UTR variant.
Genome position (GRCh38, 1-based): chr19:29,700,526, G>A on the plus strand (C>T on the coding strand, the complement: C19orf12 is on the minus strand). VCF-style: chr19-29700526-G-A. GRCh37 (hg19) VCF-style: chr19-30191433-G-A.
Other names: c.*2186C>T (NM_001031726.4, NM_001256047.2, NM_001282929.1 and 2 more transcripts); c.*2233C>T (NM_001256046.3).
Identifiers: ClinVar variation 328688 (VCV000328688.5), dbSNP rs73548135, ClinGen allele CA9351702.
Genomic context (GRCh38, chr19:29,700,526, plus strand): 5'-GGGGCATGCTCTGATTTTCCATTTTTAGTTCCAGGGTCCGTATGCAGGACTTATTTGCAG[G>A]AAGAGCAGGAATGATCAGTTCAACAAGAAAAGCCACACTCAGTTTTCACAGACAGACAAC-3'